The following is an entry in ClinVar:

NM_198282.4(STING1):c.26C>T (p.Ser9Phe)

Gene: STING1 (stimulator of interferon response cGAMP interactor 1; minus strand). Cytogenetic location: 5q31.2.
Variant type: single nucleotide variant.
Coding change: c.26C>T on transcript NM_198282.4 (MANE Select); coding-DNA position 26, C replaced by T.
Protein change: p.Ser9Phe; replaces serine 9 with phenylalanine.
Molecular consequence: missense variant. On other transcripts: intron variant (1).
Genome position (GRCh38, 1-based): chr5:139,481,679, G>A on the plus strand (C>T on the coding strand, the complement: STING1 is on the minus strand). VCF-style: chr5-139481679-G-A. GRCh37 (hg19) VCF-style: chr5-138861264-G-A.
Other names: c.26C>T, p.Ser9Phe (LRG_1308t1, NM_001301738.2); c.-130-337C>T (NM_001367258.1); short protein forms S9F.
Identifiers: ClinVar variation 658773 (VCV000658773.12), dbSNP rs888652949, ClinGen allele CA128748276.

ClinVar aggregate classification (germline): Uncertain significance. Review status: criteria provided, multiple submitters, no conflicts (2 of 4 stars). 2 submissions from 2 submitters: Uncertain significance (2). Last evaluated 2025-02-17.

Conditions:
STING-associated vasculopathy with onset in infancy. Also called: Sting-associated vasculopathy, infantile-onset. Identifiers: Orphanet 425120, MedGen C4014722, MONDO:0014405, OMIM 615934.

Allele frequency attached by ClinVar (database versions not stated): TOPMed below 0.00001; gnomAD 0.00001; gnomAD exomes 0.00001.
gnomAD v4.1: 9 of 1,608,140 alleles (0.00056%); highest among the groups gnomAD compares: Middle Eastern, 0.049%; no homozygotes.

Submissions (2):

Labcorp Genetics (formerly Invitae), Labcorp
Classification: Uncertain significance for STING-associated vasculopathy with onset in infancy. Last evaluated: 2025-02-17. Review status: criteria provided, single submitter. Criteria: Invitae Variant Classification Sherloc (09022015). Collection method: clinical testing. Allele origin: germline.
Comment: This sequence change replaces serine, which is neutral and polar, with phenylalanine, which is neutral and non-polar, at codon 9 of the TMEM173 protein (p.Ser9Phe). This variant is not present in population databases (gnomAD no frequency). This variant has not been reported in the literature in individuals affected with TMEM173-related conditions. ClinVar contains an entry for this variant (Variation ID: 658773). An algorithm developed to predict the effect of missense changes on protein structure and function (PolyPhen-2) suggests that this variant is likely to be disruptive. In summary, the available evidence is currently insufficient to determine the role of this variant in disease. Therefore, it has been classified as a Variant of Uncertain Significance.

Blueprint Genetics
Classification: Uncertain significance. Last evaluated: 2023-11-01. Review status: criteria provided, single submitter. Criteria: ACMG Guidelines, 2015. Collection method: clinical testing. Allele origin: germline.